The following is an entry in ClinVar:

ClinVar aggregate classification (germline): Pathogenic (1 of 4 stars; one submission).

Conditions:
Breast-ovarian cancer, familial, susceptibility to, 2 (BROVCA2). Also called: BRCA2 Hereditary Breast and Ovarian Cancer. Identifiers: Orphanet 145, MedGen C2675520, MONDO:0012933, OMIM 612555. Disease mechanism: loss of function.

Submission:

Myriad Genetics, Inc.
Classification: Pathogenic for Breast-ovarian cancer, familial, susceptibility to, 2. Last evaluated: 2024-09-10. Review status: criteria provided, single submitter. Criteria: Myriad Autosomal Dominant, Autosomal Recessive and X-Linked Classification Criteria (2023). Collection method: clinical testing. Allele origin: unknown.
Comment: This variant is considered pathogenic. This variant creates a frameshift predicted to result in premature protein truncation.

NM_000059.4(BRCA2):c.4671_4672del (p.Ser1558fs)

Gene: BRCA2 (BRCA2 DNA repair associated; plus strand). Cytogenetic location: 13q13.1.
Variant type: Deletion.
Coding change: c.4671_4672del on transcript NM_000059.4 (MANE Select); coding-DNA positions 4671 to 4672, 2 bases deleted (CA; older notation c.4671_4672delCA).
Protein change: p.Ser1558fs; shifts the reading frame from serine 1558.
Molecular consequence: frameshift variant. On other transcripts: non-coding transcript variant (1), intron variant (2).
Genome position (GRCh38, 1-based): chr13:32,339,026-32,339,027, CA deleted. VCF-style (leftmost placement, unchanged base first): chr13-32339025-CCA-C. GRCh37 (hg19) VCF-style: chr13-32913162-CCA-C.
Other names: c.4671_4672del, p.Ser1558fs (NM_001406719.1, NM_001406720.1, NM_001432077.1); c.1910-5532_1910-5531del (NM_001406721.1); c.425-5532_425-5531del (NM_001406722.1); short protein forms S1558fs.
Identifiers: ClinVar variation 3379280 (VCV003379280.1).
Genomic context (GRCh38, chr13:32,339,025, plus strand): 5'-AATCTTTGGACAAAGTGAAAAACCTTTTTGATGAAAAAGAGCAAGGTACTAGTGAAATCA[CCA>C]GTTTTAGCCATCAATGGGCAAAGACCCTAAAGTACAGAGAGGCCTGTAAAGACCTTGAAT-3'